The following is an entry in ClinVar:

ClinVar aggregate classification (germline): Uncertain significance. Review status: criteria provided, multiple submitters, no conflicts (2 of 4 stars). 2 submissions from 2 submitters: Uncertain significance (2). Last evaluated 2021-10-14.

Conditions:
Hyperalphalipoproteinemia 1 (HALP1). Also called: CETP-Related Hyperalphalipoproteinemia; CETP DEFICIENCY. Identifiers: MedGen C3149462, OMIM 143470.

Allele frequency attached by ClinVar (database versions not stated): TOPMed 0.00002.
gnomAD v4.1: 8 of 1,614,136 alleles (0.0005%); highest among the groups gnomAD compares: African/African-American, 0.011%; no homozygotes.

Submissions (2):

Fulgent Genetics
Classification: Uncertain significance for Hyperalphalipoproteinemia 1. Last evaluated: 2021-10-14. Review status: criteria provided, single submitter. Criteria: ACMG Guidelines, 2015. Collection method: clinical testing. Allele origin: unknown.

Labcorp Genetics (formerly Invitae), Labcorp
Classification: Uncertain significance. Last evaluated: 2021-08-31. Review status: criteria provided, single submitter. Criteria: Invitae Variant Classification Sherloc (09022015). Collection method: clinical testing. Allele origin: germline.
Comment: In summary, the available evidence is currently insufficient to determine the role of this variant in disease. Therefore, it has been classified as a Variant of Uncertain Significance. Algorithms developed to predict the effect of missense changes on protein structure and function are either unavailable or do not agree on the potential impact of this missense change (SIFT: "Deleterious"; PolyPhen-2: "Benign"; Align-GVGD: "Class C0"). This variant has not been reported in the literature in individuals affected with CETP-related conditions. This variant is not present in population databases (ExAC no frequency). This sequence change replaces leucine with isoleucine at codon 449 of the CETP protein (p.Leu449Ile). The leucine residue is weakly conserved and there is a small physicochemical difference between leucine and isoleucine.

NM_000078.3(CETP):c.1345C>A (p.Leu449Ile)

Gene: CETP (cholesteryl ester transfer protein; plus strand). Cytogenetic location: 16q13.
Variant type: single nucleotide variant.
Coding change: c.1345C>A on transcript NM_000078.3 (MANE Select); coding-DNA position 1345, C replaced by A.
Protein change: p.Leu449Ile; replaces leucine 449 with isoleucine.
Molecular consequence: missense variant.
Genome position (GRCh38, 1-based): chr16:56,983,349, C>A. VCF-style: chr16-56983349-C-A. GRCh37 (hg19) VCF-style: chr16-57017261-C-A.
Other names: c.1165C>A, p.Leu389Ile (NM_001286085.2); short protein forms L449I, L389I.
Identifiers: ClinVar variation 1357558 (VCV001357558.7), dbSNP rs1164754201, ClinGen allele CA396008090.